The following is an entry in ClinVar:

NM_015338.6(ASXL1):c.3940C>T (p.Leu1314Phe)

Gene: ASXL1 (ASXL transcriptional regulator 1; plus strand). Cytogenetic location: 20q11.21.
Variant type: single nucleotide variant.
Coding change: c.3940C>T on transcript NM_015338.6 (MANE Select); coding-DNA position 3940, C replaced by T.
Protein change: p.Leu1314Phe; replaces leucine 1314 with phenylalanine.
Molecular consequence: missense variant.
Genome position (GRCh38, 1-based): chr20:32,436,652, C>T. VCF-style: chr20-32436652-C-T. GRCh37 (hg19) VCF-style: chr20-31024455-C-T.
Other names: c.3757C>T, p.Leu1253Phe (NM_001363734.1); short protein forms L1314F, L1253F.
Identifiers: ClinVar variation 2989723 (VCV002989723.4), dbSNP rs376070210, ClinGen allele CA9808928.

ClinVar aggregate classification (germline): Conflicting classifications of pathogenicity. Review status: criteria provided, conflicting classifications (1 of 4 stars). 2 submissions from 2 submitters: Uncertain significance (1); Likely benign (1). Last evaluated 2025-12-01.

Conditions:
Inborn genetic diseases. Identifiers: MedGen C0950123, MeSH D030342.

Allele frequency attached by ClinVar (database versions not stated): TOPMed 0.00005; gnomAD 0.00002; ESP Exome Variant Server 0.00008; ExAC 0.00002.
gnomAD v4.1: 10 of 1,613,932 alleles (0.00062%); highest among the groups gnomAD compares: African/African-American, 0.012%; no homozygotes.

Submissions (2):

Labcorp Genetics (formerly Invitae), Labcorp
Classification: Uncertain significance. Last evaluated: 2025-12-01. Review status: criteria provided, single submitter. Criteria: Invitae Variant Classification Sherloc (09022015). Collection method: clinical testing. Allele origin: germline.
Comment: This sequence change replaces leucine, which is neutral and non-polar, with phenylalanine, which is neutral and non-polar, at codon 1314 of the ASXL1 protein (p.Leu1314Phe). This variant is present in population databases (rs376070210, gnomAD 0.02%). This variant has not been reported in the literature in individuals affected with ASXL1-related conditions. ClinVar contains an entry for this variant (Variation ID: 2989723). An algorithm developed to predict the effect of missense changes on protein structure and function (PolyPhen-2) suggests that this variant is likely to be tolerated. In summary, the available evidence is currently insufficient to determine the role of this variant in disease. Therefore, it has been classified as a Variant of Uncertain Significance.

Ambry Genetics
Classification: Likely benign for Inborn genetic diseases. Last evaluated: 2025-11-19. Review status: criteria provided, single submitter. Criteria: Ambry Variant Classification Scheme 2023. Collection method: clinical testing. Allele origin: germline.